The following is an entry in ClinVar:

NM_000390.4(CHM):c.702+3_702+12del

Gene: CHM (CHM Rab escort protein; minus strand). Cytogenetic location: Xq21.2.
Variant type: Deletion.
Coding change: c.702+3_702+12del on transcript NM_000390.4 (MANE Select); bases 3 to 12 of the intron after coding-DNA position 702, 10 bases deleted (AAGTACTAAT; older notation c.702+3_702+12delAAGTACTAAT).
Molecular consequence: splice donor variant.
Genome position (GRCh38, 1-based): chrX:85,963,653-85,963,662, ATTAGTACTT deleted on the plus strand (AAGTACTAAT on the coding strand, the reverse complement: CHM is on the minus strand); deleting any 10 consecutive bases within chrX:85,963,653-85,963,663 gives the same sequence; the c. name uses the placement nearest the transcript's 3' end. VCF-style (leftmost placement, unchanged base first): chrX-85963652-AATTAGTACTT-A. GRCh37 (hg19) VCF-style: chrX-85218657-AATTAGTACTT-A.
Other names: c.258+3_258+12del (NM_001362519.1, NM_001362517.1, NM_001320959.1 and 1 more transcripts).
Identifiers: ClinVar variation 2105897 (VCV002105897.4), dbSNP rs2520271764, ClinGen allele CA2580102021.

ClinVar aggregate classification (germline): Uncertain significance (1 of 4 stars; one submission).

Submission:

Labcorp Genetics (formerly Invitae), Labcorp
Classification: Uncertain significance. Last evaluated: 2022-03-04. Review status: criteria provided, single submitter. Criteria: Invitae Variant Classification Sherloc (09022015). Collection method: clinical testing. Allele origin: germline.
Comment: Variants that disrupt the consensus splice site are a relatively common cause of aberrant splicing (PMID: 17576681, 9536098). Algorithms developed to predict the effect of sequence changes on RNA splicing suggest that this variant may disrupt the consensus splice site. This variant has not been reported in the literature in individuals affected with CHM-related conditions. This variant is not present in population databases (gnomAD no frequency). This sequence change falls in intron 5 of the CHM gene. It does not directly change the encoded amino acid sequence of the CHM protein. It affects a nucleotide within the consensus splice site. In summary, the available evidence is currently insufficient to determine the role of this variant in disease. Therefore, it has been classified as a Variant of Uncertain Significance.

Literature cited by the submitters: PubMed 17576681; PubMed 9536098.